The following is an entry in ClinVar:

NM_080860.4(RSPH1):c.751G>T (p.Ala251Ser)

Gene: RSPH1 (radial spoke head component 1; minus strand). Cytogenetic location: 21q22.3.
Variant type: single nucleotide variant.
Coding change: c.751G>T on transcript NM_080860.4 (MANE Select); coding-DNA position 751, G replaced by T.
Protein change: p.Ala251Ser; replaces alanine 251 with serine.
Molecular consequence: missense variant.
Genome position (GRCh38, 1-based): chr21:42,476,024, C>A on the plus strand (G>T on the coding strand, the complement: RSPH1 is on the minus strand). VCF-style: chr21-42476024-C-A. GRCh37 (hg19) VCF-style: chr21-43896134-C-A.
Other names: c.637G>T, p.Ala213Ser (NM_001286506.2); short protein forms A213S, A251S.
Identifiers: ClinVar variation 1911497 (VCV001911497.5), dbSNP rs2517329617, ClinGen allele CA410362255.

ClinVar aggregate classification (germline): Uncertain significance (1 of 4 stars; one submission).

Conditions:
Primary ciliary dyskinesia. Also called: Ciliary dyskinesia. Identifiers: Orphanet 244, MedGen C0008780, MONDO:0016575, HP:0012265.

Submission:

Labcorp Genetics (formerly Invitae), Labcorp
Classification: Uncertain significance for Primary ciliary dyskinesia. Last evaluated: 2025-03-25. Review status: criteria provided, single submitter. Criteria: Invitae Variant Classification Sherloc (09022015). Collection method: clinical testing. Allele origin: germline.
Comment: This sequence change replaces alanine, which is neutral and non-polar, with serine, which is neutral and polar, at codon 251 of the RSPH1 protein (p.Ala251Ser). This variant is not present in population databases (gnomAD no frequency). This variant has not been reported in the literature in individuals affected with RSPH1-related conditions. ClinVar contains an entry for this variant (Variation ID: 1911497). An algorithm developed to predict the effect of missense changes on protein structure and function outputs the following: PolyPhen-2: "Benign". The serine amino acid residue is found in multiple mammalian species, which suggests that this missense change does not adversely affect protein function. In summary, the available evidence is currently insufficient to determine the role of this variant in disease. Therefore, it has been classified as a Variant of Uncertain Significance.